The following is an entry in ClinVar:

NM_001009999.3(KDM1A):c.252G>C (p.Gln84His)

Gene: KDM1A (lysine demethylase 1A; plus strand). Cytogenetic location: 1p36.12.
Variant type: single nucleotide variant.
Coding change: c.252G>C on transcript NM_001009999.3 (MANE Select); coding-DNA position 252, G replaced by C.
Protein change: p.Gln84His; replaces glutamine 84 with histidine.
Molecular consequence: missense variant.
Genome position (GRCh38, 1-based): chr1:23,019,848, G>C. VCF-style: chr1-23019848-G-C. GRCh37 (hg19) VCF-style: chr1-23346341-G-C.
Other names: c.252G>C, p.Gln84His (NM_001363654.2, NM_001410762.1, NM_001410763.1 and 1 more transcripts); short protein forms Q84H.
Identifiers: ClinVar variation 4042191 (VCV004042191.2).
Genomic context (GRCh38, chr1:23,019,848, plus strand): 5'-GCCTCCGCGGGCCTCGCCCCCCGGGGGCCTGGCGGAACCGCCGGGGTCCGCAGGGCCTCA[G>C]GCCGGCCCTACTGTCGTGCCTGGGTCTGCGACCCCCATGGAAACTGGAATAGCAGAGACT-3'
Protein context (NP_001009999.1, residues 74-94): LAEPPGSAGP[Gln84His]AGPTVVPGSA

ClinVar aggregate classification (germline): Uncertain significance (1 of 4 stars; one submission).

Conditions:
Inborn genetic diseases. Identifiers: MedGen C0950123, MeSH D030342.

gnomAD v4.1: 1 of 1,494,970 alleles (0.000067%); highest among the groups gnomAD compares: Admixed American, 0.0024%; no homozygotes.

Submission:

Ambry Genetics
Classification: Uncertain significance for Inborn genetic diseases. Last evaluated: 2026-04-02. Review status: criteria provided, single submitter. Criteria: Ambry Variant Classification Scheme 2023. Collection method: clinical testing. Allele origin: germline.
Comment: The p.Q84H variant (also known as c.252G>C), located in coding exon 1 of the KDM1A gene, results from a G to C substitution at nucleotide position 252. The glutamine at codon 84 is replaced by histidine, an amino acid with highly similar properties. This amino acid position is conserved. In addition, this alteration is predicted to be tolerated by in silico analysis. Based on the available evidence, the clinical significance of this variant remains unclear.